The following is an entry in ClinVar:

ClinVar aggregate classification (germline): Uncertain significance (1 of 4 stars; one submission).

Submission:

Labcorp Genetics (formerly Invitae), Labcorp
Classification: Uncertain significance. Last evaluated: 2025-01-29. Review status: criteria provided, single submitter. Criteria: Invitae Variant Classification Sherloc (09022015). Collection method: clinical testing. Allele origin: germline.
Comment: This sequence change replaces glutamic acid, which is acidic and polar, with aspartic acid, which is acidic and polar, at codon 948 of the HMCN1 protein (p.Glu948Asp). This variant is not present in population databases (gnomAD no frequency). This variant has not been reported in the literature in individuals affected with HMCN1-related conditions. An algorithm developed to predict the effect of missense changes on protein structure and function (PolyPhen-2) suggests that this variant is likely to be disruptive. In summary, the available evidence is currently insufficient to determine the role of this variant in disease. Therefore, it has been classified as a Variant of Uncertain Significance.

NM_031935.3(HMCN1):c.2844A>T (p.Glu948Asp)

Gene: HMCN1 (hemicentin 1; plus strand). Cytogenetic location: 1q31.1.
Variant type: single nucleotide variant.
Coding change: c.2844A>T on transcript NM_031935.3 (MANE Select); coding-DNA position 2844, A replaced by T.
Protein change: p.Glu948Asp; replaces glutamic acid 948 with aspartic acid.
Molecular consequence: missense variant.
Genome position (GRCh38, 1-based): chr1:185,984,222, A>T. VCF-style: chr1-185984222-A-T. GRCh37 (hg19) VCF-style: chr1-185953354-A-T.
Other names: short protein forms E948D.
Identifiers: ClinVar variation 3697255 (VCV003697255.2).